The following is an entry in ClinVar:

NM_020631.6(PLEKHG5):c.2145GGA[9] (p.Glu723_Gly724insGlu)

Gene: PLEKHG5 (pleckstrin homology and RhoGEF domain containing G5; minus strand). Cytogenetic location: 1p36.31.
Variant type: Microsatellite.
Coding change: c.2145GGA[9] on transcript NM_020631.6 (MANE Select); nine copies in a row of the 3-base unit GGA starting at c.2145; the reference has eight copies in a row; one copy, 3 bases duplicated.
Protein change: p.Glu723_Gly724insGlu.
Molecular consequence: inframe insertion. On other transcripts: inframe indel (5).
Genome position (GRCh38, 1-based): chr1:6,469,123-6,469,125, TCC duplicated on the plus strand (GGA on the coding strand, the reverse complement: PLEKHG5 is on the minus strand); duplicating any 3 consecutive bases within chr1:6,469,123-6,469,148 gives the same sequence; the position shown is the placement nearest the transcript's 3' end. VCF-style (leftmost placement, unchanged base first): chr1-6469122-T-TTCC. GRCh37 (hg19) VCF-style: chr1-6529182-T-TTCC.
Other names: c.2166_2168dupGGA (NM_020631.4, NM_020631.3); c.2256GGA[9], p.Glu760_Gly761insGlu (NM_001042663.3, NM_001265592.2); c.2143_2145GAG[9], p.Glu723_Gly724insGlu (NM_001042664.2, NM_001042665.2, NM_001265594.3); c.2350_2352GAG[9], p.Glu792_Gly793insGlu (NM_001265593.2); c.2145GGA[9], p.Glu723_Gly724insGlu (NM_198681.4).
Identifiers: ClinVar variation 297949 (VCV000297949.15), dbSNP rs113541584, ClinGen allele CA561227.
Genomic context (GRCh38, chr1:6,469,122, plus strand): 5'-GCCGCTGCTTTTCCGCATGATGGTAGGGGAGCTGGCAGCTGAAGTGCCACTGTCCTCGCC[T>TTCC]TCCTCCTCCTCCTCCTCCTCCTCCTCTTCCTCCTCCTGCTCATCCTCCTCCTCTTCCAGG-3'

ClinVar aggregate classification (germline): Conflicting classifications of pathogenicity. Review status: criteria provided, conflicting classifications (1 of 4 stars). 5 submissions from 5 submitters: Uncertain significance (3); Likely benign (2). Last evaluated 2025-08-09.

Conditions:
Inborn genetic diseases. Identifiers: MedGen C0950123, MeSH D030342.
PLEKHG5-related disorder. Also called: PLEKHG5-related condition.
Charcot-Marie-Tooth disease recessive intermediate C. Also called: CHARCOT-MARIE-TOOTH NEUROPATHY, RECESSIVE INTERMEDIATE C. Identifiers: Orphanet 369867, MedGen C3809309, MONDO:0014154, OMIM 615376.
Neuronopathy, distal hereditary motor, autosomal recessive 4. Also called: NEUROPATHY, DISTAL HEREDITARY MOTOR, AUTOSOMAL RECESSIVE 4; Autosomal recessive lower motor neuron disease with childhood onset. Identifiers: Orphanet 206580, MedGen C1970211, MONDO:0012608, OMIM 611067.

Submissions (5):

PreventionGenetics, part of Exact Sciences
Classification: Likely benign for PLEKHG5-related condition. Last evaluated: 2025-08-09. Review status: criteria provided, single submitter. Criteria: ACMG Guidelines, 2015. Collection method: clinical testing. Allele origin: germline.
Comment: This variant is classified as likely benign based on ACMG/AMP sequence variant interpretation guidelines (Richards et al. 2015 PMID: 25741868, with internal and published modifications).

Ambry Genetics
Classification: Uncertain significance for Inborn genetic diseases. Last evaluated: 2022-06-17. Review status: criteria provided, single submitter. Criteria: Ambry Variant Classification Scheme 2023. Collection method: clinical testing. Allele origin: germline.
Comment: The c.2166_2168dupGGA variant (also known as p.E723dup) is located in coding exon 18 of the PLEKHG5 gene. This variant results from an in-frame duplication of 3 nucleotides at positions 2166 to 2168. This results in the duplication of a glutamic acid residue at codon 723. This amino acid position is poorly conserved in available vertebrate species. In addition, this alteration is predicted to be neutral by in silico analysis (Choi Y et al. PLoS ONE. 2012; 7(10):e46688). Since supporting evidence is limited at this time, the clinical significance of this alteration remains unclear.

ARUP Laboratories, Molecular Genetics and Genomics, ARUP Laboratories
Classification: Uncertain significance. Last evaluated: 2022-03-17. Review status: criteria provided, single submitter. Criteria: ARUP Molecular Germline Variant Investigation Process 2021. Collection method: clinical testing. Allele origin: germline.
Comment: The PLEKHG5 c.2166_2168dupGGA; p.Glu723dup variant (rs113541584), to our knowledge, is not reported in the medical literature but is reported in ClinVar (Variation ID: 297949). This variant is found in the general population with an overall allele frequency of 0.033% (75/226000 alleles) in the Genome Aggregation Database. This variant deletes a single glutamate residue leaving the rest of the protein in-frame. Due to limited information, the clinical significance of this variant is uncertain at this time.

GeneDx
Classification: Likely benign. Last evaluated: 2020-08-25. Review status: criteria provided, single submitter. Criteria: GeneDx Variant Classification Process June 2021. Collection method: clinical testing. Allele origin: germline. Affected: yes.

Labcorp Genetics (formerly Invitae), Labcorp
Classification: Uncertain significance for Neuronopathy, distal hereditary motor, autosomal recessive 4; Charcot-Marie-Tooth disease recessive intermediate C. Last evaluated: 2018-06-28. Review status: criteria provided, single submitter. Criteria: Invitae Variant Classification Sherloc (09022015). Collection method: clinical testing. Allele origin: germline.
Comment: Experimental studies and prediction algorithms are not available for this variant, and the functional significance of the duplicated amino acid is currently unknown. This variant, c.2166_2168dupGGA, results in the insertion of 1 amino acid to the PLEKHG5 protein (p.Glu723dup), but otherwise preserves the integrity of the reading frame. This variant is present in population databases (rs756583787, ExAC 0.07%). This variant has not been reported in the literature in individuals with a PLEKHG5-related disease. ClinVar contains an entry for this variant (Variation ID: 297949). In summary, this variant has uncertain impact on PLEKHG5 function. The available evidence is currently insufficient to determine its role in disease. Therefore, it has been classified as a Variant of Uncertain Significance.